The following is an entry in ClinVar:

NM_000540.3(RYR1):c.4055C>T (p.Ala1352Val)

Gene: RYR1 (ryanodine receptor 1; plus strand). Cytogenetic location: 19q13.2.
Variant type: single nucleotide variant.
Coding change: c.4055C>T on transcript NM_000540.3 (MANE Select); coding-DNA position 4055, C replaced by T.
Protein change: p.Ala1352Val; replaces alanine 1352 with valine.
Molecular consequence: missense variant.
Genome position (GRCh38, 1-based): chr19:38,473,666, C>T. VCF-style: chr19-38473666-C-T. GRCh37 (hg19) VCF-style: chr19-38964306-C-T.
Other names: c.4055C>T, p.Ala1352Val (NM_001042723.2); short protein forms A1352V.
Identifiers: ClinVar variation 4281736 (VCV004281736.1).

ClinVar aggregate classification (germline): Uncertain significance (1 of 4 stars; one submission).

gnomAD v4.1: 5 of 1,552,088 alleles (0.00032%); highest among the groups gnomAD compares: Admixed American, 0.002%; no homozygotes.

Submission:

GeneDx
Classification: Uncertain significance. Last evaluated: 2025-04-09. Review status: criteria provided, single submitter. Criteria: GeneDx Variant Classification Process June 2021. Collection method: clinical testing. Allele origin: germline. Affected: yes.
Comment: Not observed at significant frequency in large population cohorts (gnomAD); In silico analysis indicates that this missense variant does not alter protein structure/function; Has not been previously published as pathogenic or benign to our knowledge